The following is an entry in ClinVar:

ClinVar aggregate classification (germline): Uncertain significance (1 of 4 stars; one submission).

Conditions:
Retinoblastoma (RB1). Also called: RETINOBLASTOMA, SOMATIC. Identifiers: Orphanet 790, MedGen C0035335, MeSH D012175, MONDO:0008380, OMIM 180200, HP:0009919. Disease mechanism: loss of function. Inheritance: Both sporadic and heritable forms are tested..

Submission:

Labcorp Genetics (formerly Invitae), Labcorp
Classification: Uncertain significance for Retinoblastoma. Last evaluated: 2023-12-08. Review status: criteria provided, single submitter. Criteria: Invitae Variant Classification Sherloc (09022015). Collection method: clinical testing. Allele origin: germline.
Comment: This sequence change falls in intron 23 of the RB1 gene. It does not directly change the encoded amino acid sequence of the RB1 protein. This variant is not present in population databases (gnomAD no frequency). This variant has not been reported in the literature in individuals affected with RB1-related conditions. Algorithms developed to predict the effect of sequence changes on RNA splicing suggest that this variant may disrupt the consensus splice site. In summary, the available evidence is currently insufficient to determine the role of this variant in disease. Therefore, it has been classified as a Variant of Uncertain Significance.

NM_000321.3(RB1):c.2490-30A>C

Gene: RB1 (RB transcriptional corepressor 1; plus strand). Cytogenetic location: 13q14.2.
Variant type: single nucleotide variant.
Coding change: c.2490-30A>C on transcript NM_000321.3 (MANE Select); 30 bases into the intron before coding-DNA position 2490, A replaced by C.
Molecular consequence: intron variant.
Genome position (GRCh38, 1-based): chr13:48,473,330, A>C. VCF-style: chr13-48473330-A-C. GRCh37 (hg19) VCF-style: chr13-49047466-A-C.
Other names: c.2490-30A>C (NM_001407165.1).
Identifiers: ClinVar variation 2701408 (VCV002701408.3), dbSNP rs1280544176, ClinGen allele CA2697551861.
Genomic context (GRCh38, chr13:48,473,330, plus strand): 5'-TAATAGTTCAGAATGATGTATTTATGCTCATCTCTGCAAAATTGTATATGGTTTTTTATT[A>C]CTAATTGGTATTTCATCTTAACTTGACAGAATCTTAGTATCAATTGGTGAATCATTCGGG-3'